The following is an entry in ClinVar:

ClinVar aggregate classification (germline): Uncertain significance (1 of 4 stars; one submission).

Submission:

Labcorp Genetics (formerly Invitae), Labcorp
Classification: Uncertain significance. Last evaluated: 2024-07-08. Review status: criteria provided, single submitter. Criteria: Invitae Variant Classification Sherloc (09022015). Collection method: clinical testing. Allele origin: germline.
Comment: This variant results in the deletion of part of exon 12 (c.916-2_916del) of the LMBR1 gene. It is expected to disrupt RNA splicing. Variants that disrupt the donor or acceptor splice site typically lead to a loss of protein function (PMID: 16199547), however the current clinical and genetic evidence is not sufficient to establish whether loss-of-function variants in LMBR1 cause disease. This variant is not present in population databases (gnomAD no frequency). This variant has not been reported in the literature in individuals affected with LMBR1-related conditions. Algorithms developed to predict the effect of sequence changes on RNA splicing suggest that this variant may disrupt the consensus splice site. In summary, the available evidence is currently insufficient to determine the role of this variant in disease. Therefore, it has been classified as a Variant of Uncertain Significance.

Literature cited by the submitters: PubMed 16199547.

NM_022458.4(LMBR1):c.916-2_916del

Gene: LMBR1 (limb development membrane protein 1; minus strand). Cytogenetic location: 7q36.3.
Variant type: Deletion.
Coding change: c.916-2_916del on transcript NM_022458.4 (MANE Select); the canonical splice acceptor site of the intron before coding-DNA position 916 through coding-DNA position 916, 3 bases deleted (AGT; older notation c.916-2_916delAGT).
Molecular consequence: splice acceptor variant.
Genome position (GRCh38, 1-based): chr7:156,728,007-156,728,009, ACT deleted on the plus strand (AGT on the coding strand, the reverse complement: LMBR1 is on the minus strand); deleting any 3 consecutive bases within chr7:156,728,007-156,728,011 gives the same sequence; the c. name uses the placement nearest the transcript's 3' end. VCF-style (leftmost placement, unchanged base first): chr7-156728006-GACT-G. GRCh37 (hg19) VCF-style: chr7-156520700-GACT-G.
Other names: c.853-2_853del (NM_001363412.2); c.637-2_637del (NM_001350954.2); c.916-2_916del (NM_001363410.2); c.1039-2_1039del (NM_001363409.2, NM_001350953.2); c.460-2_460del (NM_001350958.2, NM_001350956.2, NM_001350955.2 and 1 more transcripts); c.547-2_547del (NM_001350957.2, NM_001363411.2).
Identifiers: ClinVar variation 2827687 (VCV002827687.3), dbSNP rs2537157484, ClinGen allele CA2739279032.